The following is an entry in ClinVar:

ClinVar aggregate classification (germline): Uncertain significance (1 of 4 stars; one submission).

Allele frequency attached by ClinVar (database versions not stated): gnomAD 0.00001; gnomAD exomes 0.00001; TOPMed 0.00002.
gnomAD v4.1: 11 of 1,610,908 alleles (0.00068%); highest among the groups gnomAD compares: Middle Eastern, 0.016%; no homozygotes.

Submission:

Labcorp Genetics (formerly Invitae), Labcorp
Classification: Uncertain significance. Last evaluated: 2022-03-25. Review status: criteria provided, single submitter. Criteria: Invitae Variant Classification Sherloc (09022015). Collection method: clinical testing. Allele origin: germline.
Comment: This sequence change replaces glutamine, which is neutral and polar, with arginine, which is basic and polar, at codon 432 of the TRIM37 protein (p.Gln432Arg). This variant is present in population databases (no rsID available, gnomAD 0.003%). This variant has not been reported in the literature in individuals affected with TRIM37-related conditions. Algorithms developed to predict the effect of missense changes on protein structure and function are either unavailable or do not agree on the potential impact of this missense change (SIFT: "Not Available"; PolyPhen-2: "Probably Damaging"; Align-GVGD: "Not Available"). In summary, the available evidence is currently insufficient to determine the role of this variant in disease. Therefore, it has been classified as a Variant of Uncertain Significance.

NM_015294.6(TRIM37):c.1295A>G (p.Gln432Arg)

Gene: TRIM37 (tripartite motif containing 37; minus strand). Cytogenetic location: 17q22.
Variant type: single nucleotide variant.
Coding change: c.1295A>G on transcript NM_015294.6 (MANE Select); coding-DNA position 1295, A replaced by G.
Protein change: p.Gln432Arg; replaces glutamine 432 with arginine.
Molecular consequence: missense variant. On other transcripts: non-coding transcript variant (2).
Genome position (GRCh38, 1-based): chr17:59,051,233, T>C on the plus strand (A>G on the coding strand, the complement: TRIM37 is on the minus strand). VCF-style: chr17-59051233-T-C. GRCh37 (hg19) VCF-style: chr17-57128594-T-C.
Other names: c.1295A>G, p.Gln432Arg (NM_001005207.5, NM_001320988.3, NM_001320989.3 and 1 more transcripts); c.1193A>G, p.Gln398Arg (NM_001320987.3, NM_001353082.2); c.929A>G, p.Gln310Arg (NM_001320990.3); c.560A>G, p.Gln187Arg (NM_001353083.2); c.833A>G, p.Gln278Arg (NM_001353085.2); c.1244A>G, p.Gln415Arg (NM_001353086.2); short protein forms Q187R, Q398R, Q310R, Q415R, Q432R, Q278R.
Identifiers: ClinVar variation 2047179 (VCV002047179.1), dbSNP rs1458302547, ClinGen allele CA400401740.